The following is an entry in ClinVar:

ClinVar aggregate classification (germline): Uncertain significance (1 of 4 stars; one submission).

Conditions:
Arrhythmogenic right ventricular dysplasia 11. Also called: Arrhythmogenic Right Ventricular Dysplasia/Cardiomyopathy11; ARRHYTHMOGENIC RIGHT VENTRICULAR DYSPLASIA, FAMILIAL, 11; Arrhythmogenic right ventricular dysplasia 11 with mild palmoplantar keratoderma and woolly hair. Identifiers: MedGen C1864850, MONDO:0012506, OMIM 610476.

Submission:

Labcorp Genetics (formerly Invitae), Labcorp
Classification: Uncertain significance for Arrhythmogenic right ventricular dysplasia 11. Last evaluated: 2021-12-10. Review status: criteria provided, single submitter. Criteria: Invitae Variant Classification Sherloc (09022015). Collection method: clinical testing. Allele origin: germline.
Comment: This sequence change replaces alanine, which is neutral and non-polar, with proline, which is neutral and non-polar, at codon 596 of the DSC2 protein (p.Ala596Pro). In summary, the available evidence is currently insufficient to determine the role of this variant in disease. Therefore, it has been classified as a Variant of Uncertain Significance. Algorithms developed to predict the effect of missense changes on protein structure and function are either unavailable or do not agree on the potential impact of this missense change (SIFT: "Deleterious"; PolyPhen-2: "Possibly Damaging"; Align-GVGD: "Class C0"). This variant has not been reported in the literature in individuals affected with DSC2-related conditions. This variant is not present in population databases (gnomAD no frequency).

NM_024422.6(DSC2):c.1786G>C (p.Ala596Pro)

Gene: DSC2 (desmocollin 2; minus strand). Cytogenetic location: 18q12.1.
Variant type: single nucleotide variant.
Coding change: c.1786G>C on transcript NM_024422.6 (MANE Select); coding-DNA position 1786, G replaced by C.
Protein change: p.Ala596Pro; replaces alanine 596 with proline.
Molecular consequence: missense variant.
Genome position (GRCh38, 1-based): chr18:31,074,785, C>G on the plus strand (G>C on the coding strand, the complement: DSC2 is on the minus strand). VCF-style: chr18-31074785-C-G. GRCh37 (hg19) VCF-style: chr18-28654751-C-G.
Other names: c.1357G>C, p.Ala453Pro (NM_001406506.1, NM_001406507.1); c.1786G>C, p.Ala596Pro (NM_004949.5); short protein forms A596P, A453P.
Identifiers: ClinVar variation 2039451 (VCV002039451.4), dbSNP rs1438904893, ClinGen allele CA402114017.